The following is an entry in ClinVar:

NM_013438.5(UBQLN1):c.1064G>T (p.Gly355Val)

Gene: UBQLN1 (ubiquilin 1; minus strand). Cytogenetic location: 9q21.32.
Variant type: single nucleotide variant.
Coding change: c.1064G>T on transcript NM_013438.5 (MANE Select); coding-DNA position 1064, G replaced by T.
Protein change: p.Gly355Val; replaces glycine 355 with valine.
Molecular consequence: missense variant.
Genome position (GRCh38, 1-based): chr9:83,677,768, C>A on the plus strand (G>T on the coding strand, the complement: UBQLN1 is on the minus strand). VCF-style: chr9-83677768-C-A. GRCh37 (hg19) VCF-style: chr9-86292683-C-A.
Other names: c.1064G>T, p.Gly355Val (NM_053067.3); short protein forms G355V.
Identifiers: ClinVar variation 775275 (VCV000775275.29), dbSNP rs146724128, ClinGen allele CA5101811.

ClinVar aggregate classification (germline): Likely benign. Review status: criteria provided, multiple submitters, no conflicts (2 of 4 stars). 3 submissions from 3 submitters: Likely benign (3). Last evaluated 2023-01-01.

Allele frequency attached by ClinVar (database versions not stated): ExAC 0.00524; TOPMed 0.00540; gnomAD 0.00547 and 0.00513; ESP Exome Variant Server 0.00600; 1000 Genomes Project 0.00220; 1000 Genomes Project 30x 0.00250; gnomAD exomes 0.00491.
gnomAD v4.1: 9,596 of 1,614,118 alleles (0.59%); highest among the groups gnomAD compares: Middle Eastern, 1.8%; 34 homozygotes.

Submissions (3):

CeGaT Center for Human Genetics Tuebingen
Classification: Likely benign. Last evaluated: 2023-01-01. Review status: criteria provided, single submitter. Criteria: CeGaT Center For Human Genetics Tuebingen Variant Classification Criteria Version 2. Collection method: clinical testing. Allele origin: germline. Affected: yes. Observed: 1 variant allele.
Comment: UBQLN1: BS2

Labcorp Genetics (formerly Invitae), Labcorp
Classification: Likely benign. Last evaluated: 2019-12-31. Review status: criteria provided, single submitter. Criteria: Invitae Variant Classification Sherloc (09022015). Collection method: clinical testing. Allele origin: germline.

Breakthrough Genomics
Classification: Likely benign. Review status: criteria provided, single submitter. Criteria: ACMG Guidelines, 2015. Collection method: not provided. Allele origin: germline. Inheritance: Unknown mechanism. Affected: yes.